The following is an entry in ClinVar:

ClinVar aggregate classification (germline): Uncertain significance. Review status: criteria provided, multiple submitters, no conflicts (2 of 4 stars). 4 submissions from 4 submitters: Uncertain significance (4). Last evaluated 2026-06-11.

Conditions:
Developmental and epileptic encephalopathy, 46 (DEE46). Also called: Epileptic encephalopathy, early infantile, 46; GRIN2D-Related Developmental and Epileptic Encephalopathy. Identifiers: MedGen C4310687, MONDO:0014947, OMIM 617162.
Inborn genetic diseases. Identifiers: MedGen C0950123, MeSH D030342.

Allele frequency attached by ClinVar (database versions not stated): gnomAD 0.00004; gnomAD exomes 0.00002; TOPMed 0.00003.
gnomAD v4.1: 24 of 1,290,560 alleles (0.0019%); highest among the groups gnomAD compares: Admixed American, 0.0038%; no homozygotes.

Submissions (4):

Women's Health and Genetics/Laboratory Corporation of America, LabCorp
Classification: Uncertain significance. Last evaluated: 2026-06-11. Review status: criteria provided, single submitter. Criteria: LabCorp Variant Classification Summary - May 2015. Collection method: clinical testing. Allele origin: germline.
Comment: Variant summary: GRIN2D c.2749A>G (p.Ser917Gly) results in a non-conservative amino acid change in the encoded protein sequence. Algorithms developed to predict the effect of missense changes on protein structure and function are either unavailable or do not agree on the potential impact of this missense change. The variant was absent in 82960 control chromosomes. The available data on variant occurrences in the general population are insufficient to allow any conclusion about variant significance. To our knowledge, no occurrence of c.2749A>G in individuals affected with GRIN2D-related conditions and no experimental evidence demonstrating its impact on protein function have been reported. ClinVar contains an entry for this variant (Variation ID: 1380318). Based on the evidence outlined above, the variant was classified as uncertain significance.

Labcorp Genetics (formerly Invitae), Labcorp
Classification: Uncertain significance. Last evaluated: 2025-05-30. Review status: criteria provided, single submitter. Criteria: Invitae Variant Classification Sherloc (09022015). Collection method: clinical testing. Allele origin: germline.
Comment: This sequence change replaces serine, which is neutral and polar, with glycine, which is neutral and non-polar, at codon 917 of the GRIN2D protein (p.Ser917Gly). The frequency data for this variant in the population databases is considered unreliable, as metrics indicate poor data quality at this position in the gnomAD database. This variant has not been reported in the literature in individuals affected with GRIN2D-related conditions. ClinVar contains an entry for this variant (Variation ID: 1380318). Invitae Evidence Modeling of protein sequence and biophysical properties (such as structural, functional, and spatial information, amino acid conservation, physicochemical variation, residue mobility, and thermodynamic stability) indicates that this missense variant is not expected to disrupt GRIN2D protein function with a negative predictive value of 95%. In summary, the available evidence is currently insufficient to determine the role of this variant in disease. Therefore, it has been classified as a Variant of Uncertain Significance.

Ambry Genetics
Classification: Uncertain significance for Inborn genetic diseases. Last evaluated: 2024-11-22. Review status: criteria provided, single submitter. Criteria: Ambry Variant Classification Scheme 2023. Collection method: clinical testing. Allele origin: germline.

Centre of Medical Genetics, University Hospital Muenster
Classification: Uncertain significance for Developmental and epileptic encephalopathy, 46. Last evaluated: 2023-02-08. Review status: criteria provided, single submitter. Criteria: ACMG Guidelines, 2015. Collection method: clinical testing. Allele origin: unknown. Affected: yes. Observed: 1 variant allele, 1 heterozygote.
Comment: ACMG categories: PM2

NM_000836.4(GRIN2D):c.2749A>G (p.Ser917Gly)

Gene: GRIN2D (glutamate ionotropic receptor NMDA type subunit 2D; plus strand). Cytogenetic location: 19q13.33.
Variant type: single nucleotide variant.
Coding change: c.2749A>G on transcript NM_000836.4 (MANE Select); coding-DNA position 2749, A replaced by G.
Protein change: p.Ser917Gly; replaces serine 917 with glycine.
Molecular consequence: missense variant.
Genome position (GRCh38, 1-based): chr19:48,442,675, A>G. VCF-style: chr19-48442675-A-G. GRCh37 (hg19) VCF-style: chr19-48945932-A-G.
Other names: c.2749A>G (NM_000836.2); short protein forms S917G.
Identifiers: ClinVar variation 1380318 (VCV001380318.10), dbSNP rs1273701038, ClinGen allele CA406673427.